The following is an entry in ClinVar:

ClinVar aggregate classification (germline): Likely benign. Review status: criteria provided, multiple submitters, no conflicts (2 of 4 stars). 2 submissions from 2 submitters: Likely benign (2). Last evaluated 2024-10-07.

Conditions:
Seizures, benign familial infantile, 3 (BFIS3). Also called: Familial neonatal seizures; CONVULSIONS, BENIGN FAMILIAL INFANTILE, 3. Identifiers: Orphanet 140927, Orphanet 306, MedGen C1843140, MONDO:0011904, OMIM 607745.
Developmental and epileptic encephalopathy, 11 (DEE11). Also called: Early infantile epileptic encephalopathy 11. Identifiers: Orphanet 1934, MedGen C3150987, MONDO:0013388, OMIM 613721.

Allele frequency attached by ClinVar (database versions not stated): gnomAD 0.00001; ExAC 0.00002; gnomAD exomes 0.00002 and 0.00003; TOPMed 0.00002.
gnomAD v4.1: 26 of 1,613,996 alleles (0.0016%); highest among the groups gnomAD compares: East Asian, 0.04%; no homozygotes.

Submissions (2):

Labcorp Genetics (formerly Invitae), Labcorp
Classification: Likely benign for Seizures, benign familial infantile, 3; Developmental and epileptic encephalopathy, 11. Last evaluated: 2024-10-07. Review status: criteria provided, single submitter. Criteria: Invitae Variant Classification Sherloc (09022015). Collection method: clinical testing. Allele origin: germline.

CeGaT Center for Human Genetics Tuebingen
Classification: Likely benign. Last evaluated: 2023-10-01. Review status: criteria provided, single submitter. Criteria: CeGaT Center For Human Genetics Tuebingen Variant Classification Criteria Version 2. Collection method: clinical testing. Allele origin: germline. Affected: yes. Observed: 1 variant allele.
Comment: SCN2A: BP4, BP7

NM_001040142.2(SCN2A):c.2643A>G (p.Leu881=)

Gene: SCN2A (sodium voltage-gated channel alpha subunit 2; plus strand). Cytogenetic location: 2q24.3.
Variant type: single nucleotide variant.
Coding change: c.2643A>G on transcript NM_001040142.2 (MANE Select); coding-DNA position 2643, A replaced by G.
Protein change: p.Leu881=; no amino-acid change (leucine 881 retained).
Molecular consequence: synonymous variant.
Genome position (GRCh38, 1-based): chr2:165,344,635, A>G. VCF-style: chr2-165344635-A-G. GRCh37 (hg19) VCF-style: chr2-166201145-A-G.
Other names: c.2643A>G, p.Leu881= (NM_001040143.2, NM_001371246.1, NM_001371247.1 and 1 more transcripts).
Identifiers: ClinVar variation 1155019 (VCV001155019.33), dbSNP rs777805952, ClinGen allele CA1940011.